The following is an entry in ClinVar:

ClinVar aggregate classification (germline): Likely benign. Review status: criteria provided, multiple submitters, no conflicts (2 of 4 stars). 2 submissions from 2 submitters: Likely benign (2). Last evaluated 2025-01-28.

Conditions:
Cardiovascular phenotype. Identifiers: MedGen CN230736.

Allele frequency attached by ClinVar (database versions not stated): gnomAD exomes below 0.00001 and 0.00001; gnomAD 0.00001; TOPMed 0.00001.
gnomAD v4.1: 11 of 1,614,000 alleles (0.00068%); highest among the groups gnomAD compares: Admixed American, 0.0017%; no homozygotes.

Submissions (2):

Ambry Genetics
Classification: Likely benign for Cardiovascular phenotype. Last evaluated: 2025-01-28. Review status: criteria provided, single submitter. Criteria: Ambry Variant Classification Scheme 2023. Collection method: clinical testing. Allele origin: germline.

GeneDx
Classification: Likely benign. Last evaluated: 2016-04-15. Review status: criteria provided, single submitter. Criteria: GeneDx Variant Classification (06012015). Collection method: clinical testing. Allele origin: germline. Affected: yes.
Comment: This variant is considered likely benign or benign based on one or more of the following criteria: it is a conservative change, it occurs at a poorly conserved position in the protein, it is predicted to be benign by multiple in silico algorithms, and/or has population frequency not consistent with disease.

NM_004982.4(KCNJ8):c.54C>T (p.Ala18=)

Genes: KCNJ8 (potassium inwardly rectifying channel subfamily J member 8; minus strand), KCNJ8-AS1 (KCNJ8 antisense RNA 1; plus strand). Cytogenetic location: 12p12.1.
Variant type: single nucleotide variant.
Coding change: c.54C>T on transcript NM_004982.4 (MANE Select); coding-DNA position 54, C replaced by T.
Protein change: p.Ala18=; no amino-acid change (alanine 18 retained).
Molecular consequence: synonymous variant.
Genome position (GRCh38, 1-based): chr12:21,773,563, G>A on the plus strand (C>T on the coding strand, the complement: KCNJ8 is on the minus strand). VCF-style: chr12-21773563-G-A. GRCh37 (hg19) VCF-style: chr12-21926497-G-A.
Identifiers: ClinVar variation 385543 (VCV000385543.2), dbSNP rs1057522254, ClinGen allele CA16606486.